The following is an entry in ClinVar:

NM_000206.3(IL2RG):c.711G>C (p.Trp237Cys)

Gene: IL2RG (interleukin 2 receptor subunit gamma; minus strand). Cytogenetic location: Xq13.1.
Variant type: single nucleotide variant.
Coding change: c.711G>C on transcript NM_000206.3 (MANE Select); coding-DNA position 711, G replaced by C.
Protein change: p.Trp237Cys; replaces tryptophan 237 with cysteine.
Molecular consequence: missense variant.
Genome position (GRCh38, 1-based): chrX:71,109,274, C>G on the plus strand (G>C on the coding strand, the complement: IL2RG is on the minus strand). VCF-style: chrX-71109274-C-G. GRCh37 (hg19) VCF-style: chrX-70329124-C-G.
Other names: short protein forms W237C.
Identifiers: ClinVar variation 2499143 (VCV002499143.28), dbSNP rs2519645541, ClinGen allele CA413495911.

ClinVar aggregate classification (germline): Likely pathogenic (1 of 4 stars; one submission).

Submission:

CeGaT Center for Human Genetics Tuebingen
Classification: Likely pathogenic. Last evaluated: 2023-01-01. Review status: criteria provided, single submitter. Criteria: CeGaT Center For Human Genetics Tuebingen Variant Classification Criteria Version 2. Collection method: clinical testing. Allele origin: germline. Affected: yes. Observed: 2 variant alleles.
Comment: IL2RG: PM1, PM2, PM5, PP4